The following is an entry in ClinVar:

NM_004415.4(DSP):c.2052C>A (p.Gly684=)

Gene: DSP (desmoplakin; plus strand). Cytogenetic location: 6p24.3.
Variant type: single nucleotide variant.
Coding change: c.2052C>A on transcript NM_004415.4 (MANE Select); coding-DNA position 2052, C replaced by A.
Protein change: p.Gly684=; no amino-acid change (glycine 684 retained).
Molecular consequence: synonymous variant.
Genome position (GRCh38, 1-based): chr6:7,571,990, C>A. VCF-style: chr6-7571990-C-A. GRCh37 (hg19) VCF-style: chr6-7572223-C-A.
Other names: c.2052C>A, p.Gly684= (NM_001008844.3, NM_001319034.2); c.2052C>A (NM_004415.3).
Identifiers: ClinVar variation 1099375 (VCV001099375.38), dbSNP rs760191477, ClinGen allele CA031520.
Genomic context (GRCh38, chr6:7,571,990, plus strand): 5'-AGAAACATGGATGCTGATGGAGCTGCAGAAGATTCGCAGGCAGATAGAGCACTGCGAGGG[C>A]AGGATGACTCTCAAAAACCTCCCTCTAGCAGACCAGGGATCTTCTCACCACATCACAGTG-3'
Protein context (NP_004406.2, residues 674-694): KIRRQIEHCE[Gly684=]RMTLKNLPLA

ClinVar aggregate classification (germline): Likely benign. Review status: criteria provided, multiple submitters, no conflicts (2 of 4 stars). 5 submissions from 5 submitters: Likely benign (5). Last evaluated 2026-07-30.

Conditions:
DSP-related disorder. Also called: DSP-related condition; DSP-related disorders.
Cardiomyopathy (CMYO). Also called: Cardiomyopathies. Identifiers: Orphanet 167848, MedGen C0878544, MONDO:0004994, HP:0001638. Inheritance: Various modes of inheritance.
Cardiovascular phenotype. Identifiers: MedGen CN230736.
Arrhythmogenic cardiomyopathy with wooly hair and keratoderma. Also called: Arrhythmogenic cardiomyopathy with woolly hair and keratoderma; Carvajal syndrome; PALMOPLANTAR KERATODERMA WITH LEFT VENTRICULAR CARDIOMYOPATHY AND WOOLLY HAIR; Dilated cardiomyopathy with woolly hair and keratoderma. Identifiers: Orphanet 65282, MedGen C1854063, MONDO:0011581, OMIM 605676.
Arrhythmogenic right ventricular dysplasia 8 (ARVD8). Also called: ARRHYTHMOGENIC RIGHT VENTRICULAR DYSPLASIA, FAMILIAL, 8; ARRHYTHMOGENIC RIGHT VENTRICULAR CARDIOMYOPATHY 8; Arrhythmogenic Right Ventricular Dysplasia/Cardiomyopathy 8. Identifiers: MedGen C1843896, MONDO:0011831, OMIM 607450.

Allele frequency attached by ClinVar (database versions not stated): gnomAD exomes below 0.00001 and 0.00001; ExAC 0.00002; gnomAD 0.00003; TOPMed 0.00003.
gnomAD v4.1: 28 of 1,614,070 alleles (0.0017%); highest among the groups gnomAD compares: African/African-American, 0.023%; no homozygotes.

Submissions (5):

PreventionGenetics, part of Exact Sciences
Classification: Likely benign for DSP-related condition. Last evaluated: 2026-07-30. Review status: criteria provided, single submitter. Criteria: ACMG Guidelines, 2015. Collection method: clinical testing. Allele origin: germline.
Comment: This variant is classified as likely benign based on ACMG/AMP sequence variant interpretation guidelines (Richards et al. 2015 PMID: 25741868, with internal and published modifications).

Labcorp Genetics (formerly Invitae), Labcorp
Classification: Likely benign for Arrhythmogenic cardiomyopathy with wooly hair and keratoderma; Arrhythmogenic right ventricular dysplasia 8. Last evaluated: 2026-01-31. Review status: criteria provided, single submitter. Criteria: Invitae Variant Classification Sherloc (09022015). Collection method: clinical testing. Allele origin: germline.

Ambry Genetics
Classification: Likely benign for Cardiovascular phenotype. Last evaluated: 2023-06-17. Review status: criteria provided, single submitter. Criteria: Ambry Variant Classification Scheme 2023. Collection method: clinical testing. Allele origin: germline.

CeGaT Center for Human Genetics Tuebingen
Classification: Likely benign. Last evaluated: 2022-05-01. Review status: criteria provided, single submitter. Criteria: CeGaT Center For Human Genetics Tuebingen Variant Classification Criteria Version 2. Collection method: clinical testing. Allele origin: germline. Affected: yes. Observed: 1 variant allele.
Comment: DSP: BP4, BP7

Color Diagnostics, LLC DBA Color Health
Classification: Likely benign for Cardiomyopathy. Last evaluated: 2020-08-03. Review status: criteria provided, single submitter. Criteria: ACMG Guidelines, 2015. Collection method: clinical testing. Allele origin: germline.